The following is an entry in ClinVar:

ClinVar aggregate classification (germline): Uncertain significance. Review status: criteria provided, multiple submitters, no conflicts (2 of 4 stars). 2 submissions from 2 submitters: Uncertain significance (2). Last evaluated 2024-01-24.

Conditions:
Inborn genetic diseases. Identifiers: MedGen C0950123, MeSH D030342.

Allele frequency attached by ClinVar (database versions not stated): gnomAD exomes 0.00001; ExAC 0.00002; TOPMed 0.00003; gnomAD 0.00005; ESP Exome Variant Server 0.00008.
gnomAD v4.1: 30 of 1,613,922 alleles (0.0019%); highest among the groups gnomAD compares: African/African-American, 0.0013%; no homozygotes.

Submissions (2):

Ambry Genetics
Classification: Uncertain significance for Inborn genetic diseases. Last evaluated: 2024-01-24. Review status: criteria provided, single submitter. Criteria: Ambry Variant Classification Scheme 2023. Collection method: clinical testing. Allele origin: germline.

Labcorp Genetics (formerly Invitae), Labcorp
Classification: Uncertain significance. Last evaluated: 2022-06-01. Review status: criteria provided, single submitter. Criteria: Invitae Variant Classification Sherloc (09022015). Collection method: clinical testing. Allele origin: germline.
Comment: In summary, the available evidence is currently insufficient to determine the role of this variant in disease. Therefore, it has been classified as a Variant of Uncertain Significance. Algorithms developed to predict the effect of missense changes on protein structure and function are either unavailable or do not agree on the potential impact of this missense change (SIFT: "Tolerated"; PolyPhen-2: "Probably Damaging"; Align-GVGD: "Class C0"). This variant has not been reported in the literature in individuals affected with DMXL2-related conditions. This variant is present in population databases (rs375787615, gnomAD 0.06%). This sequence change replaces proline, which is neutral and non-polar, with alanine, which is neutral and non-polar, at codon 830 of the DMXL2 protein (p.Pro830Ala).

NM_001378457.1(DMXL2):c.2488C>G (p.Pro830Ala)

Gene: DMXL2 (Dmx like 2; minus strand). Cytogenetic location: 15q21.2.
Variant type: single nucleotide variant.
Coding change: c.2488C>G on transcript NM_001378457.1 (MANE Select); coding-DNA position 2488, C replaced by G.
Protein change: p.Pro830Ala; replaces proline 830 with alanine.
Molecular consequence: missense variant. On other transcripts: non-coding transcript variant (2).
Genome position (GRCh38, 1-based): chr15:51,517,116, G>C on the plus strand (C>G on the coding strand, the complement: DMXL2 is on the minus strand). VCF-style: chr15-51517116-G-C. GRCh37 (hg19) VCF-style: chr15-51809313-G-C.
Other names: c.2488C>G, p.Pro830Ala (NM_001174116.3, NM_001174117.3, NM_001378458.1 and 6 more transcripts); c.2248C>G, p.Pro750Ala (NM_001378464.1); c.2488C>G (NM_001174116.1); short protein forms P830A, P750A.
Identifiers: ClinVar variation 1980078 (VCV001980078.5), dbSNP rs375787615, ClinGen allele CA7562361.